The following is an entry in ClinVar:

ClinVar aggregate classification (germline): Uncertain significance. Review status: criteria provided, single submitter (1 of 4 stars). 2 submissions from 2 submitters: Uncertain significance (1). 1 of the submissions does not count toward it. Last evaluated 2023-04-25.

Conditions:
beta Thalassemia (BTHAL). Also called: Cooley's anemia; Erythroblastic anemia; Mediterranean anemia. Identifiers: Orphanet 848, MedGen C0005283, MONDO:0019402. Disease mechanism: loss of function.

Submissions (2):

Quest Diagnostics Nichols Institute San Juan Capistrano
Classification: Uncertain significance. Last evaluated: 2023-04-25. Review status: criteria provided, single submitter. Criteria: Quest Diagnostics criteria. Collection method: clinical testing. Allele origin: unknown.
Comment: The HBB c.319C>G (p.Leu107Val) variant (also known as Hb L'Aquila, Hb Federico II, and p.Leu106Val) is associated with mild beta (+)-thalassemia. This variant is reported to have normal stability and the heterozygous carriers of this variant presented with hypochromic microcytic anemia without any hemolytic trait (PMIDs: 17654075 (2007) and 18591626 (2008)). Based on the available information, we are unable to determine the clinical significance of this variant.

The ITHANET community portal, The Cyprus Institute of Neurology and Genetics
Classification: Pathogenic for beta Thalassemia. Last evaluated: 2019-11-25. Review status: no assertion criteria provided. Collection method: curation. Allele origin: germline. Not counted in ClinVar's aggregate classification.

Literature cited by the submitters: PubMed 19429541 (cited by Quest Diagnostics Nichols Institute San Juan Capistrano); PubMed 18591626 (cited by Quest Diagnostics Nichols Institute San Juan Capistrano and The ITHANET community portal, The Cyprus Institute of Neurology and Genetics); PubMed 17654075 (cited by Quest Diagnostics Nichols Institute San Juan Capistrano and The ITHANET community portal, The Cyprus Institute of Neurology and Genetics).

NM_000518.5(HBB):c.319C>G (p.Leu107Val)

Genes: HBB (hemoglobin subunit beta; minus strand), LOC107133510 (origin of replication at HBB; plus strand), LOC110006319 (beta-globin gene 3' regulatory region; plus strand). Cytogenetic location: 11p15.4.
Variant type: single nucleotide variant.
Coding change: c.319C>G on transcript NM_000518.5 (MANE Select); coding-DNA position 319, C replaced by G.
Protein change: p.Leu107Val; replaces leucine 107 with valine.
Molecular consequence: missense variant.
Genome position (GRCh38, 1-based): chr11:5,225,723, G>C on the plus strand (C>G on the coding strand, the complement: HBB is on the minus strand). VCF-style: chr11-5225723-G-C. GRCh37 (hg19) VCF-style: chr11-5246953-G-C.
Other names: CD 106 (CTG >GTG) Leu to Val; short protein forms L107V.
Identifiers: ClinVar variation 869278 (VCV000869278.4), dbSNP rs63750596, ClinGen allele CA217112838.